The following is an entry in ClinVar:

ClinVar aggregate classification (germline): Likely pathogenic (1 of 4 stars; one submission).

Conditions:
Gorlin syndrome. Also called: Nevoid Basal Cell Carcinoma Syndrome; Basal cell nevus syndrome. Identifiers: Orphanet 377, MedGen C0004779, MONDO:0007187.

Submission:

MGZ Medical Genetics Center
Classification: Likely pathogenic for Basal cell nevus syndrome 1. Last evaluated: 2021-06-29. Review status: criteria provided, single submitter. Criteria: ACMG Guidelines, 2015. Collection method: clinical testing. Allele origin: germline. Affected: yes. Observed: 1 variant allele.
Comment: ACMG criteria applied: PVS1, PM2_SUP

NM_000264.5(PTCH1):c.838G>T (p.Glu280Ter)

Gene: PTCH1 (patched 1; minus strand). Cytogenetic location: 9q22.32.
Variant type: single nucleotide variant.
Coding change: c.838G>T on transcript NM_000264.5 (MANE Select); coding-DNA position 838, G replaced by T.
Protein change: p.Glu280Ter; replaces glutamic acid 280 with a stop codon.
Molecular consequence: nonsense. On other transcripts: non-coding transcript variant (1).
Genome position (GRCh38, 1-based): chr9:95,480,497, C>A on the plus strand (G>T on the coding strand, the complement: PTCH1 is on the minus strand). VCF-style: chr9-95480497-C-A. GRCh37 (hg19) VCF-style: chr9-98242779-C-A.
Other names: c.640G>T, p.Glu214Ter (NM_001083602.3); c.835G>T, p.Glu279Ter (NM_001083603.3); c.385G>T, p.Glu129Ter (NM_001083604.3, NM_001083605.3, NM_001083606.3 and 1 more transcripts); c.838G>T, p.Glu280Ter (NM_001354918.2); short protein forms E129*, E214*, E279*, E280*.
Identifiers: ClinVar variation 1709609 (VCV001709609.2), dbSNP rs2118420430, ClinGen allele CA374114096.